The following is an entry in ClinVar:

ClinVar aggregate classification (germline): Conflicting classifications of pathogenicity. Review status: criteria provided, conflicting classifications (1 of 4 stars). 2 submissions from 2 submitters: Uncertain significance (1); Likely benign (1). Last evaluated 2023-04-11.

Conditions:
Cardiovascular phenotype. Identifiers: MedGen CN230736.

Allele frequency attached by ClinVar (database versions not stated): gnomAD exomes 0.00001; gnomAD 0.00002; TOPMed 0.00002.
gnomAD v4.1: 17 of 1,550,044 alleles (0.0011%); highest among the groups gnomAD compares: African/African-American, 0.0041%; no homozygotes.

Submissions (2):

Ambry Genetics
Classification: Likely benign for Cardiovascular phenotype. Last evaluated: 2023-04-11. Review status: criteria provided, single submitter. Criteria: Ambry Variant Classification Scheme 2023. Collection method: clinical testing. Allele origin: germline.

Labcorp Genetics (formerly Invitae), Labcorp
Classification: Uncertain significance. Last evaluated: 2022-09-27. Review status: criteria provided, single submitter. Criteria: Invitae Variant Classification Sherloc (09022015). Collection method: clinical testing. Allele origin: germline.
Comment: This sequence change replaces glycine, which is neutral and non-polar, with serine, which is neutral and polar, at codon 2133 of the ZNF469 protein (p.Gly2133Ser). This variant is present in population databases (no rsID available, gnomAD 0.006%). This variant has not been reported in the literature in individuals affected with ZNF469-related conditions. ClinVar contains an entry for this variant (Variation ID: 1472037). Algorithms developed to predict the effect of missense changes on protein structure and function output the following: SIFT: "Deleterious"; PolyPhen-2: "Benign"; Align-GVGD: "Class C0". The serine amino acid residue is found in multiple mammalian species, which suggests that this missense change does not adversely affect protein function. In summary, the available evidence is currently insufficient to determine the role of this variant in disease. Therefore, it has been classified as a Variant of Uncertain Significance.

NM_001367624.2(ZNF469):c.6481G>A (p.Gly2161Ser)

Gene: ZNF469 (zinc finger protein 469; plus strand). Cytogenetic location: 16q24.2.
Variant type: single nucleotide variant.
Coding change: c.6481G>A on transcript NM_001367624.2 (MANE Select); coding-DNA position 6481, G replaced by A.
Protein change: p.Gly2161Ser; replaces glycine 2161 with serine.
Molecular consequence: missense variant.
Genome position (GRCh38, 1-based): chr16:88,433,951, G>A. VCF-style: chr16-88433951-G-A. GRCh37 (hg19) VCF-style: chr16-88500359-G-A.
Other names: NM_001127464.1:c.6397G>A; short protein forms G2161S.
Identifiers: ClinVar variation 1472037 (VCV001472037.5), dbSNP rs944778197, ClinGen allele CA286381655.